The following is an entry in ClinVar:

ClinVar aggregate classification (germline): Pathogenic (1 of 4 stars; one submission).

Submission:

Labcorp Genetics (formerly Invitae), Labcorp
Classification: Pathogenic. Last evaluated: 2025-08-29. Review status: criteria provided, single submitter. Criteria: Invitae Variant Classification Sherloc (09022015). Collection method: clinical testing. Allele origin: germline.
Comment: This sequence change affects a donor splice site in intron 9 of the NFKB1 gene. It is expected to disrupt RNA splicing. Variants that disrupt the donor or acceptor splice site typically lead to a loss of protein function (PMID: 16199547), and loss-of-function variants in NFKB1 are known to be pathogenic (PMID: 26279205, 29477724). This variant is not present in population databases (gnomAD no frequency). Disruption of this splice site has been observed in individual(s) with common variable immunodeficiency (PMID: 26279205, 29477724). It has also been observed to segregate with disease in related individuals. ClinVar contains an entry for this variant (Variation ID: 3717519). Algorithms developed to predict the effect of sequence changes on RNA splicing suggest that this variant may disrupt the consensus splice site. For these reasons, this variant has been classified as Pathogenic.

Literature cited by the submitters: PubMed 16199547; PubMed 26279205; PubMed 29477724.

NM_003998.4(NFKB1):c.835+1G>C

Gene: NFKB1 (nuclear factor kappa B subunit 1; plus strand). Cytogenetic location: 4q24.
Variant type: single nucleotide variant.
Coding change: c.835+1G>C on transcript NM_003998.4 (MANE Select); the canonical splice donor site of the intron after coding-DNA position 835, G replaced by C.
Molecular consequence: splice donor variant.
Genome position (GRCh38, 1-based): chr4:102,580,640, G>C. VCF-style: chr4-102580640-G-C. GRCh37 (hg19) VCF-style: chr4-103501797-G-C.
Other names: c.835+1G>C (NM_001382626.1, NM_001382625.1); c.832+1G>C (NM_001382627.1, NM_001165412.2, NM_001319226.2); c.793+1G>C (NM_001382628.1).
Identifiers: ClinVar variation 3717519 (VCV003717519.2).
Genomic context (GRCh38, chr4:102,580,640, plus strand): 5'-CAGCTGGATGTGTGACTGGAGGGGAGGAAATTTATCTTCTTTGTGACAAAGTTCAGAAAG[G>C]TAAATACATTCTGTGATCTCTGATCTCAAGAGGTGTGATCTTGACACACTACAGTTCTGA-3'